The following is an entry in ClinVar:

ClinVar aggregate classification (germline): Benign. Review status: criteria provided, multiple submitters, no conflicts (2 of 4 stars). 2 submissions from 2 submitters: Benign (2). Last evaluated 2018-06-14.

Allele frequency attached by ClinVar (database versions not stated): 1000 Genomes Project 30x 0.61493; 1000 Genomes Project 0.61921; TOPMed 0.70866; gnomAD 0.72336 and 0.72484; gnomAD exomes 0.84949.
gnomAD v4.1: 863,479 of 1,039,904 alleles (83%); highest among the groups gnomAD compares: Non-Finnish European, 90%; 369,427 homozygotes.

Submissions (2):

GeneDx
Classification: Benign. Last evaluated: 2018-06-14. Review status: criteria provided, single submitter. Criteria: GeneDx Variant Classification (06012015). Collection method: clinical testing. Allele origin: germline. Affected: yes.
Comment: This variant is considered likely benign or benign based on one or more of the following criteria: it is a conservative change, it occurs at a poorly conserved position in the protein, it is predicted to be benign by multiple in silico algorithms, and/or has population frequency not consistent with disease.

Breakthrough Genomics
Classification: Benign. Review status: criteria provided, single submitter. Criteria: ACMG Guidelines, 2015. Collection method: not provided. Allele origin: germline. Inheritance: Autosomal dominant inheritance. Affected: yes.

NM_001130438.3(SPTAN1):c.363+144C>T

Gene: SPTAN1 (spectrin alpha, non-erythrocytic 1; plus strand). Cytogenetic location: 9q34.11.
Variant type: single nucleotide variant.
Coding change: c.363+144C>T on transcript NM_001130438.3 (MANE Select); 144 bases into the intron after coding-DNA position 363, C replaced by T.
Molecular consequence: intron variant.
Genome position (GRCh38, 1-based): chr9:128,569,041, C>T. VCF-style: chr9-128569041-C-T. GRCh37 (hg19) VCF-style: chr9-131331320-C-T.
Other names: c.363+144C>T (NM_001363759.2, NM_003127.4, NM_001363765.2 and 1 more transcripts).
Identifiers: ClinVar variation 670130 (VCV000670130.2), dbSNP rs2152833, ClinGen allele CA13020751.